The following is an entry in ClinVar:

NM_002692.4(POLE2):c.756-5_756-2del

Gene: POLE2 (DNA polymerase epsilon 2, accessory subunit; minus strand). Cytogenetic location: 14q21.3.
Variant type: Deletion.
Coding change: c.756-5_756-2del on transcript NM_002692.4 (MANE Select); 5 bases into the intron before coding-DNA position 756 through the canonical splice acceptor site of the intron before coding-DNA position 756, 4 bases deleted (TCTA; older notation c.756-5_756-2delTCTA).
Molecular consequence: splice acceptor variant.
Genome position (GRCh38, 1-based): chr14:49,655,845-49,655,848, TAGA deleted on the plus strand (TCTA on the coding strand, the reverse complement: POLE2 is on the minus strand); deleting any 4 consecutive bases within chr14:49,655,845-49,655,850 gives the same sequence; the c. name uses the placement nearest the transcript's 3' end. VCF-style (leftmost placement, unchanged base first): chr14-49655844-CTAGA-C. GRCh37 (hg19) VCF-style: chr14-50122562-CTAGA-C.
Other names: c.678-5_678-2del (NM_001197330.2); c.756-5_756-2del (NM_001348384.2, NM_001197331.3); c.525-5_525-2del (NM_001348385.2).
Identifiers: ClinVar variation 1983430 (VCV001983430.4), dbSNP rs1192772490, ClinGen allele CA614273881.
Genomic context (GRCh38, chr14:49,655,844, plus strand): 5'-GAAGTCTTCACAGATGTATTAGAAGGACCTCCAAAAAAATTAATATTTCCATAGTATGCC[CTAGA>C]TAATTATAACATAATTATCTTCTATATACCACTAGAGATATTTTTCTAATAGTTGTATAC-3'

ClinVar aggregate classification (germline): Uncertain significance (1 of 4 stars; one submission).

Submission:

Labcorp Genetics (formerly Invitae), Labcorp
Classification: Uncertain significance. Last evaluated: 2023-11-21. Review status: criteria provided, single submitter. Criteria: Invitae Variant Classification Sherloc (09022015). Collection method: clinical testing. Allele origin: germline.
Comment: This sequence change falls in intron 10 of the POLE2 gene. It does not directly change the encoded amino acid sequence of the POLE2 protein. It affects a nucleotide within the consensus splice site. This variant is present in population databases (no rsID available, gnomAD 0.001%). This variant has not been reported in the literature in individuals affected with POLE2-related conditions. ClinVar contains an entry for this variant (Variation ID: 1983430). Variants that disrupt the consensus splice site are a relatively common cause of aberrant splicing (PMID: 17576681, 9536098). Algorithms developed to predict the effect of sequence changes on RNA splicing suggest that this variant may disrupt the consensus splice site. In summary, the available evidence is currently insufficient to determine the role of this variant in disease. Therefore, it has been classified as a Variant of Uncertain Significance.

Literature cited by the submitters: PubMed 17576681; PubMed 9536098.